The following is an entry in ClinVar:

ClinVar aggregate classification (germline): Likely benign. Review status: criteria provided, multiple submitters, no conflicts (2 of 4 stars). 3 submissions from 3 submitters: Likely benign (3). Last evaluated 2023-02-03.

Conditions:
Hereditary cancer-predisposing syndrome. Also called: Hereditary neoplastic syndrome; Tumor predisposition; Neoplastic Syndromes, Hereditary; Hereditary Cancer Syndrome. Identifiers: Orphanet 140162, MedGen C0027672, MeSH D009386, MONDO:0015356.
Fanconi anemia complementation group O. Also called: RAD51C-Related Fanconi Anemia. Identifiers: Orphanet 84, MedGen C3150653, MONDO:0013248, OMIM 613390.

Submissions (3):

Ambry Genetics
Classification: Likely benign for Hereditary cancer-predisposing syndrome. Last evaluated: 2023-02-03. Review status: criteria provided, single submitter. Criteria: Ambry Variant Classification Scheme 2023. Collection method: clinical testing. Allele origin: germline.

Labcorp Genetics (formerly Invitae), Labcorp
Classification: Likely benign for Fanconi anemia complementation group O. Last evaluated: 2020-11-15. Review status: criteria provided, single submitter. Criteria: Invitae Variant Classification Sherloc (09022015). Collection method: clinical testing. Allele origin: germline.

GeneDx
Classification: Likely benign. Last evaluated: 2016-02-09. Review status: criteria provided, single submitter. Criteria: GeneDx Variant Classification (06012015). Collection method: clinical testing. Allele origin: germline. Affected: yes.
Comment: This variant is considered likely benign or benign based on one or more of the following criteria: it is a conservative change, it occurs at a poorly conserved position in the protein, it is predicted to be benign by multiple in silico algorithms, and/or has population frequency not consistent with disease.

NM_058216.3(RAD51C):c.1008A>T (p.Thr336=)

Gene: RAD51C (RAD51 paralog C; plus strand). Cytogenetic location: 17q22.
Variant type: single nucleotide variant.
Coding change: c.1008A>T on transcript NM_058216.3 (MANE Select); coding-DNA position 1008, A replaced by T.
Protein change: p.Thr336=; no amino-acid change (threonine 336 retained).
Molecular consequence: synonymous variant. On other transcripts: non-coding transcript variant (1).
Genome position (GRCh38, 1-based): chr17:58,732,526, A>T. VCF-style: chr17-58732526-A-T. GRCh37 (hg19) VCF-style: chr17-56809887-A-T.
Identifiers: ClinVar variation 383361 (VCV000383361.10), dbSNP rs1057521598, ClinGen allele CA16607726.